The following is an entry in ClinVar:

ClinVar aggregate classification (germline): Uncertain significance (1 of 4 stars; one submission).

gnomAD v4.1: 8 of 1,610,632 alleles (0.0005%); highest among the groups gnomAD compares: East Asian, 0.011%; no homozygotes.

Submission:

Dasa
Classification: Uncertain significance. Last evaluated: 2026-02-10. Review status: criteria provided, single submitter. Criteria: DASA Assertion Criteria. Collection method: clinical testing. Allele origin: germline.
Comment: NM_001394062.1(MACF1):c.4475A>G (p.His1492Arg) is a missense variant that results in the substitution of histidine with arginine. This variant is rare in population databases. Computational prediction algorithms are consistent with a benign effect. The currently available literature and clinical evidence are not sufficient to establish a definitive association between this variant and the reported condition. Therefore, this variant is classified as a variant of uncertain significance.

NM_001394062.1(MACF1):c.4475A>G (p.His1492Arg)

Gene: MACF1 (microtubule actin crosslinking factor 1; plus strand). Cytogenetic location: 1p34.3.
Variant type: single nucleotide variant.
Coding change: c.4475A>G on transcript NM_001394062.1 (MANE Select); coding-DNA position 4475, A replaced by G.
Protein change: p.His1492Arg; replaces histidine 1492 with arginine.
Molecular consequence: missense variant.
Genome position (GRCh38, 1-based): chr1:39,324,731, A>G. VCF-style: chr1-39324731-A-G. GRCh37 (hg19) VCF-style: chr1-39790403-A-G.
Other names: c.4490A>G, p.His1497Arg (NM_012090.5); short protein forms H1492R, H1497R.
Identifiers: ClinVar variation 4885196 (VCV004885196.2).